The following is an entry in ClinVar:

ClinVar aggregate classification (germline): Pathogenic. Review status: criteria provided, single submitter (1 of 4 stars). 2 submissions from 2 submitters: Pathogenic (1). 1 of the submissions does not count toward it. Last evaluated 2022-11-05.

Conditions:
Finnish congenital nephrotic syndrome (NPHS1). Also called: NEPHROTIC SYNDROME, TYPE 1. Identifiers: Orphanet 839, MedGen C0403399, MONDO:0009732, OMIM 256300.

Submissions (2):

Baylor Genetics
Classification: Pathogenic for Finnish congenital nephrotic syndrome. Last evaluated: 2022-11-05. Review status: criteria provided, single submitter. Criteria: ACMG Guidelines, 2015. Collection method: clinical testing. Allele origin: unknown.

Juha Muilu Group; Institute for Molecular Medicine Finland (FIMM)
Classification: Likely pathogenic for Finnish congenital nephrotic syndrome. Review status: no assertion criteria provided. Collection method: not provided. Allele origin: unknown. Not counted in ClinVar's aggregate classification.
Comment: FinDis database variant: This variant was not found or characterized by our laboratory, data were collected from public sources: see reference
ClinVar note: Converted during submission from probable-pathogenic to Likely pathogenic.

NM_004646.4(NPHS1):c.2549_2558del (p.Ala850fs)

Gene: NPHS1 (NPHS1 adhesion molecule, nephrin; minus strand). Cytogenetic location: 19q13.12.
Variant type: Deletion.
Coding change: c.2549_2558del on transcript NM_004646.4 (MANE Select); coding-DNA positions 2549 to 2558, 10 bases deleted (CTGCAGCTGG; older notation c.2549_2558delCTGCAGCTGG).
Protein change: p.Ala850fs; shifts the reading frame from alanine 850.
Molecular consequence: frameshift variant.
Genome position (GRCh38, 1-based): chr19:35,842,229-35,842,238, CCAGCTGCAG deleted on the plus strand (CTGCAGCTGG on the coding strand, the reverse complement: NPHS1 is on the minus strand); deleting any 10 consecutive bases within chr19:35,842,229-35,842,241 gives the same sequence; the c. name uses the placement nearest the transcript's 3' end. VCF-style (leftmost placement, unchanged base first): chr19-35842228-TCCAGCTGCAG-T. GRCh37 (hg19) VCF-style: chr19-36333130-TCCAGCTGCAG-T.
Other names: c.2548_2557delGCTGCAGCTG (NM_004646.3); short protein forms A850fs.
Identifiers: ClinVar variation 56480 (VCV000056480.3), dbSNP rs386833919, ClinGen allele CA250198.